The following is an entry in ClinVar:

ClinVar aggregate classification (germline): Uncertain significance. Review status: criteria provided, multiple submitters, no conflicts (2 of 4 stars). 2 submissions from 2 submitters: Uncertain significance (2). Last evaluated 2025-11-09.

Conditions:
Familial cancer of breast. Also called: BREAST CANCER, FAMILIAL; Hereditary breast cancer; hereditary breast carcinoma. Identifiers: Orphanet 227535, MedGen C0346153, MONDO:0016419, OMIM 114480. Disease mechanism: loss of function.
Hereditary cancer-predisposing syndrome. Also called: Neoplastic Syndromes, Hereditary; Tumor predisposition; Hereditary Cancer Syndrome; Hereditary neoplastic syndrome. Identifiers: Orphanet 140162, MedGen C0027672, MeSH D009386, MONDO:0015356.

Allele frequency attached by ClinVar (database versions not stated): gnomAD exomes below 0.00001; gnomAD 0.00001; TOPMed 0.00001.
gnomAD v4.1: 5 of 1,610,420 alleles (0.00031%); highest among the groups gnomAD compares: Non-Finnish European, 0.00017%; no homozygotes.

Submissions (2):

Labcorp Genetics (formerly Invitae), Labcorp
Classification: Uncertain significance for Familial cancer of breast. Last evaluated: 2025-11-09. Review status: criteria provided, single submitter. Criteria: Invitae Variant Classification Sherloc (09022015). Collection method: clinical testing. Allele origin: germline.
Comment: This sequence change replaces isoleucine, which is neutral and non-polar, with methionine, which is neutral and non-polar, at codon 366 of the CHEK2 protein (p.Ile366Met). This variant is present in population databases (no rsID available, gnomAD no frequency). This missense change has been observed in individual(s) with breast cancer (PMID: 35980532). This variant is also known as c.1227 T>G; p.Ile409Met. ClinVar contains an entry for this variant (Variation ID: 483382). An algorithm developed to predict the effect of missense changes on protein structure and function (PolyPhen-2) suggests that this variant is likely to be disruptive. In summary, the available evidence is currently insufficient to determine the role of this variant in disease. Therefore, it has been classified as a Variant of Uncertain Significance.

Ambry Genetics
Classification: Uncertain significance for Hereditary cancer-predisposing syndrome. Last evaluated: 2025-01-30. Review status: criteria provided, single submitter. Criteria: Ambry Variant Classification Scheme 2023. Collection method: clinical testing. Allele origin: germline.
Comment: The p.I366M variant (also known as c.1098T>G), located in coding exon 10 of the CHEK2 gene, results from a T to G substitution at nucleotide position 1098. The isoleucine at codon 366 is replaced by methionine, an amino acid with highly similar properties. This amino acid position is well conserved in available vertebrate species. In addition, the in silico prediction for this alteration is inconclusive. Based on the available evidence, the clinical significance of this variant remains unclear.

Literature cited by the submitters: PubMed 35980532 (cited by Labcorp Genetics (formerly Invitae), Labcorp).

NM_007194.4(CHEK2):c.1098T>G (p.Ile366Met)

Gene: CHEK2 (checkpoint kinase 2; minus strand). Cytogenetic location: 22q12.1.
Variant type: single nucleotide variant.
Coding change: c.1098T>G on transcript NM_007194.4 (MANE Select); coding-DNA position 1098, T replaced by G.
Protein change: p.Ile366Met; replaces isoleucine 366 with methionine.
Molecular consequence: missense variant.
Genome position (GRCh38, 1-based): chr22:28,695,871, A>C on the plus strand (T>G on the coding strand, the complement: CHEK2 is on the minus strand). VCF-style: chr22-28695871-A-C. GRCh37 (hg19) VCF-style: chr22-29091859-A-C.
Other names: c.1227T>G, p.Ile409Met (NM_001005735.3); c.435T>G, p.Ile145Met (NM_001257387.3); c.897T>G, p.Ile299Met (NM_001349956.3); c.1011T>G, p.Ile337Met (NM_145862.3); short protein forms I366M, I299M, I409M, I145M, I337M.
Identifiers: ClinVar variation 483382 (VCV000483382.14), dbSNP rs876659635, ClinGen allele CA411097218.